The following is an entry in ClinVar:

NM_006302.3(MOGS):c.1855G>A (p.Gly619Ser)

Gene: MOGS (mannosyl-oligosaccharide glucosidase; minus strand). Cytogenetic location: 2p13.1.
Variant type: single nucleotide variant.
Coding change: c.1855G>A on transcript NM_006302.3 (MANE Select); coding-DNA position 1855, G replaced by A.
Protein change: p.Gly619Ser; replaces glycine 619 with serine.
Molecular consequence: missense variant.
Genome position (GRCh38, 1-based): chr2:74,461,934, C>T on the plus strand (G>A on the coding strand, the complement: MOGS is on the minus strand). VCF-style: chr2-74461934-C-T. GRCh37 (hg19) VCF-style: chr2-74689061-C-T.
Other names: c.1537G>A, p.Gly513Ser (NM_001146158.2); short protein forms G513S, G619S.
Identifiers: ClinVar variation 2005341 (VCV002005341.4), dbSNP rs2529492844, ClinGen allele CA347370119.

ClinVar aggregate classification (germline): Uncertain significance (1 of 4 stars; one submission).

Conditions:
MOGS-congenital disorder of glycosylation. Also called: MOGS-CDG; CDG IIb; GLUCOSIDASE I DEFICIENCY; CDG 2B. Identifiers: Orphanet 79330, MedGen C1853736, MONDO:0011629, OMIM 606056.

Submission:

Labcorp Genetics (formerly Invitae), Labcorp
Classification: Uncertain significance for MOGS-congenital disorder of glycosylation. Last evaluated: 2022-06-13. Review status: criteria provided, single submitter. Criteria: Invitae Variant Classification Sherloc (09022015). Collection method: clinical testing. Allele origin: germline.
Comment: In summary, the available evidence is currently insufficient to determine the role of this variant in disease. Therefore, it has been classified as a Variant of Uncertain Significance. Algorithms developed to predict the effect of missense changes on protein structure and function are either unavailable or do not agree on the potential impact of this missense change (SIFT: "Tolerated"; PolyPhen-2: "Possibly Damaging"; Align-GVGD: "Class C0"). This variant has not been reported in the literature in individuals affected with MOGS-related conditions. This variant is not present in population databases (gnomAD no frequency). This sequence change replaces glycine, which is neutral and non-polar, with serine, which is neutral and polar, at codon 619 of the MOGS protein (p.Gly619Ser).